The following is an entry in ClinVar:

ClinVar aggregate classification (germline): Pathogenic (1 of 4 stars; one submission).

Conditions:
Peutz-Jeghers syndrome (PJS). Also called: POLYPOSIS, HAMARTOMATOUS INTESTINAL; POLYPS-AND-SPOTS SYNDROME; Peutz-Jeghers polyposis; Periorificial lentiginosis syndrome. Identifiers: Orphanet 2869, MedGen C0031269, MeSH D010580, MONDO:0008280, OMIM 175200.

Submission:

Labcorp Genetics (formerly Invitae), Labcorp
Classification: Pathogenic for Peutz-Jeghers syndrome. Last evaluated: 2024-02-22. Review status: criteria provided, single submitter. Criteria: Invitae Variant Classification Sherloc (09022015). Collection method: clinical testing. Allele origin: germline.
Comment: This sequence change creates a premature translational stop signal (p.Glu145*) in the STK11 gene. It is expected to result in an absent or disrupted protein product. Loss-of-function variants in STK11 are known to be pathogenic (PMID: 15188174, 16287113). This variant is not present in population databases (gnomAD no frequency). This variant has not been reported in the literature in individuals affected with STK11-related conditions. Algorithms developed to predict the effect of sequence changes on RNA splicing suggest that this variant may disrupt the consensus splice site. For these reasons, this variant has been classified as Pathogenic.

Literature cited by the submitters: PubMed 15188174; PubMed 16287113.

NM_000455.5(STK11):c.433G>T (p.Glu145Ter)

Gene: STK11 (serine/threonine kinase 11; plus strand). Cytogenetic location: 19p13.3.
Variant type: single nucleotide variant.
Coding change: c.433G>T on transcript NM_000455.5 (MANE Select); coding-DNA position 433, G replaced by T.
Protein change: p.Glu145Ter; replaces glutamic acid 145 with a stop codon.
Molecular consequence: nonsense. On other transcripts: non-coding transcript variant (1).
Genome position (GRCh38, 1-based): chr19:1,219,382, G>T. VCF-style: chr19-1219382-G-T. GRCh37 (hg19) VCF-style: chr19-1219381-G-T.
Other names: c.433G>T, p.Glu145Ter (NM_001407255.1); short protein forms E145*.
Identifiers: ClinVar variation 3642392 (VCV003642392.2).